The following is an entry in ClinVar:

NM_001372.4(DNAH9):c.9703G>A (p.Glu3235Lys)

Gene: DNAH9 (dynein axonemal heavy chain 9; plus strand). Cytogenetic location: 17p12.
Variant type: single nucleotide variant.
Coding change: c.9703G>A on transcript NM_001372.4 (MANE Select); coding-DNA position 9703, G replaced by A.
Protein change: p.Glu3235Lys; replaces glutamic acid 3235 with lysine.
Molecular consequence: missense variant.
Genome position (GRCh38, 1-based): chr17:11,854,198, G>A. VCF-style: chr17-11854198-G-A. GRCh37 (hg19) VCF-style: chr17-11757515-G-A.
Other names: short protein forms E3235K.
Identifiers: ClinVar variation 2187126 (VCV002187126.2), dbSNP rs758714481, ClinGen allele CA8397288.

ClinVar aggregate classification (germline): Uncertain significance (1 of 4 stars; one submission).

Allele frequency attached by ClinVar (database versions not stated): TOPMed 0.00002; gnomAD 0.00003; gnomAD exomes 0.00003; ExAC 0.00006.
gnomAD v4.1: 54 of 1,613,988 alleles (0.0033%); highest among the groups gnomAD compares: South Asian, 0.04%; no homozygotes.

Submission:

Labcorp Genetics (formerly Invitae), Labcorp
Classification: Uncertain significance. Last evaluated: 2022-11-08. Review status: criteria provided, single submitter. Criteria: Invitae Variant Classification Sherloc (09022015). Collection method: clinical testing. Allele origin: germline.
Comment: In summary, the available evidence is currently insufficient to determine the role of this variant in disease. Therefore, it has been classified as a Variant of Uncertain Significance. Advanced modeling of protein sequence and biophysical properties (such as structural, functional, and spatial information, amino acid conservation, physicochemical variation, residue mobility, and thermodynamic stability) performed at Invitae indicates that this missense variant is not expected to disrupt DNAH9 protein function. This variant has not been reported in the literature in individuals affected with DNAH9-related conditions. This variant is present in population databases (rs758714481, gnomAD 0.04%). This sequence change replaces glutamic acid, which is acidic and polar, with lysine, which is basic and polar, at codon 3235 of the DNAH9 protein (p.Glu3235Lys).